The following is an entry in ClinVar:

ClinVar aggregate classification (germline): Uncertain significance (1 of 4 stars; one submission).

gnomAD v4.1: 4 of 1,614,074 alleles (0.00025%); highest among the groups gnomAD compares: Admixed American, 0.0017%; no homozygotes.

Submission:

Labcorp Genetics (formerly Invitae), Labcorp
Classification: Uncertain significance. Last evaluated: 2021-12-06. Review status: criteria provided, single submitter. Criteria: Invitae Variant Classification Sherloc (09022015). Collection method: clinical testing. Allele origin: germline.
Comment: In summary, the available evidence is currently insufficient to determine the role of this variant in disease. Therefore, it has been classified as a Variant of Uncertain Significance. Algorithms developed to predict the effect of missense changes on protein structure and function are either unavailable or do not agree on the potential impact of this missense change (SIFT: "Not Available"; PolyPhen-2: "Possibly Damaging"; Align-GVGD: "Not Available"). This variant has not been reported in the literature in individuals affected with ADAMTS17-related conditions. This variant is not present in population databases (gnomAD no frequency). This sequence change replaces glutamine, which is neutral and polar, with histidine, which is basic and polar, at codon 608 of the ADAMTS17 protein (p.Gln608His).

NM_139057.4(ADAMTS17):c.1824G>T (p.Gln608His)

Gene: ADAMTS17 (ADAM metallopeptidase with thrombospondin type 1 motif 17; minus strand). Cytogenetic location: 15q26.3.
Variant type: single nucleotide variant.
Coding change: c.1824G>T on transcript NM_139057.4 (MANE Select); coding-DNA position 1824, G replaced by T.
Protein change: p.Gln608His; replaces glutamine 608 with histidine.
Molecular consequence: missense variant.
Genome position (GRCh38, 1-based): chr15:100,116,911, C>A on the plus strand (G>T on the coding strand, the complement: ADAMTS17 is on the minus strand). VCF-style: chr15-100116911-C-A. GRCh37 (hg19) VCF-style: chr15-100657116-C-A.
Other names: short protein forms Q608H.
Identifiers: ClinVar variation 1386618 (VCV001386618.4), dbSNP rs753804023, ClinGen allele CA393933256.